The following is an entry in ClinVar:

ClinVar aggregate classification (germline): Uncertain significance (1 of 4 stars; one submission).

Submission:

GeneDx
Classification: Uncertain significance. Last evaluated: 2024-05-29. Review status: criteria provided, single submitter. Criteria: GeneDx Variant Classification Process June 2021. Collection method: clinical testing. Allele origin: germline. Affected: yes.
Comment: Not observed at significant frequency in large population cohorts (gnomAD); In silico analysis indicates that this missense variant does not alter protein structure/function; Has not been previously published as pathogenic or benign to our knowledge

NM_000814.6(GABRB3):c.292G>T (p.Ala98Ser)

Gene: GABRB3 (gamma-aminobutyric acid type A receptor subunit beta3; minus strand). Cytogenetic location: 15q12.
Variant type: single nucleotide variant.
Coding change: c.292G>T on transcript NM_000814.6 (MANE Select); coding-DNA position 292, G replaced by T.
Protein change: p.Ala98Ser; replaces alanine 98 with serine.
Molecular consequence: missense variant. On other transcripts: non-coding transcript variant (1).
Genome position (GRCh38, 1-based): chr15:26,621,483, C>A on the plus strand (G>T on the coding strand, the complement: GABRB3 is on the minus strand). VCF-style: chr15-26621483-C-A. GRCh37 (hg19) VCF-style: chr15-26866630-C-A.
Other names: c.37G>T, p.Ala13Ser (NM_001191320.2, NM_001278631.2); c.79G>T, p.Ala27Ser (NM_001191321.3); c.292G>T, p.Ala98Ser (NM_021912.5); short protein forms A13S, A27S, A98S.
Identifiers: ClinVar variation 3383820 (VCV003383820.1).
Genomic context (GRCh38, chr15:26,621,483, plus strand): 5'-CCCATAGCTGGTCAGCCACTCGATTGTCAAGCGTGAGGTTGAGAGGGATCCCAGAATAGG[C>A]GAGCCTTTTATCTCTCCAATATTGTTGAAAATACATGGTTAAGGTATAATCCTGGGGGGA-3'
Protein context (NP_000805.1, residues 88-108): FQQYWRDKRL[Ala98Ser]YSGIPLNLTL